The following is an entry in ClinVar:

NM_001903.5(CTNNA1):c.1933A>G (p.Thr645Ala)

Gene: CTNNA1 (catenin alpha 1; plus strand). Cytogenetic location: 5q31.2.
Variant type: single nucleotide variant.
Coding change: c.1933A>G on transcript NM_001903.5 (MANE Select); coding-DNA position 1933, A replaced by G.
Protein change: p.Thr645Ala; replaces threonine 645 with alanine.
Molecular consequence: missense variant.
Genome position (GRCh38, 1-based): chr5:138,929,279, A>G. VCF-style: chr5-138929279-A-G. GRCh37 (hg19) VCF-style: chr5-138264968-A-G.
Other names: c.1933A>G, p.Thr645Ala (NM_001290307.3, NM_001323982.2, NM_001323983.1 and 2 more transcripts); c.1624A>G, p.Thr542Ala (NM_001290309.3); c.1564A>G, p.Thr522Ala (NM_001290310.3); c.823A>G, p.Thr275Ala (NM_001290312.1, NM_001323987.1, NM_001323988.1 and 17 more transcripts); c.1840A>G, p.Thr614Ala (NM_001323986.2); c.484A>G, p.Thr162Ala (NM_001324010.1, NM_001324006.1, NM_001324007.1 and 2 more transcripts); c.730A>G, p.Thr244Ala (NM_001324011.1); c.580A>G, p.Thr194Ala (NM_001324012.1, NM_001324013.1); short protein forms T244A, T162A, T275A, T614A, T645A, T542A, T194A, T522A.
Identifiers: ClinVar variation 2134961 (VCV002134961.4), dbSNP rs2533820214, ClinGen allele CA361132748.

ClinVar aggregate classification (germline): Uncertain significance (1 of 4 stars; one submission).

Submission:

Labcorp Genetics (formerly Invitae), Labcorp
Classification: Uncertain significance. Last evaluated: 2025-08-31. Review status: criteria provided, single submitter. Criteria: Invitae Variant Classification Sherloc (09022015). Collection method: clinical testing. Allele origin: germline.
Comment: This sequence change replaces threonine, which is neutral and polar, with alanine, which is neutral and non-polar, at codon 645 of the CTNNA1 protein (p.Thr645Ala). This variant is not present in population databases (gnomAD no frequency). This variant has not been reported in the literature in individuals affected with CTNNA1-related conditions. ClinVar contains an entry for this variant (Variation ID: 2134961). An algorithm developed to predict the effect of missense changes on protein structure and function (PolyPhen-2) suggests that this variant is likely to be tolerated. In summary, the available evidence is currently insufficient to determine the role of this variant in disease. Therefore, it has been classified as a Variant of Uncertain Significance.